The following is an entry in ClinVar:

ClinVar aggregate classification (germline): Uncertain significance. Review status: criteria provided, multiple submitters, no conflicts (2 of 4 stars). 5 submissions from 3 submitters: Uncertain significance (5). Last evaluated 2025-05-11.

Conditions:
Mitochondrial complex II deficiency, nuclear type 1. Also called: SUCCINATE CoQ REDUCTASE DEFICIENCY. Identifiers: Orphanet 3208, MedGen C5700310, MONDO:0100294, OMIM 252011.
Pheochromocytoma/paraganglioma syndrome 5. Also called: Paragangliomas 5; SDHA-Related Hereditary Paraganglioma-Pheochromocytoma Syndrome. Identifiers: Orphanet 29072, MedGen C3279992, MONDO:0013602, OMIM 614165.
Hereditary cancer-predisposing syndrome. Also called: Hereditary Cancer Syndrome; Neoplastic Syndromes, Hereditary; Tumor predisposition; Hereditary neoplastic syndrome. Identifiers: Orphanet 140162, MedGen C0027672, MeSH D009386, MONDO:0015356.
Hereditary pheochromocytoma and paraganglioma. Also called: Hereditary Paraganglioma-Pheochromocytoma Syndromes; Hereditary paragangliomas and pheochromocytomas; Hereditary pheochromocytoma-paraganglioma. Identifiers: Orphanet 29072, MedGen C4274332, MONDO:0017366.
Leigh syndrome (NULS). Also called: LEIGH SYNDROME, NUCLEAR; Leigh Disease; Leigh's syndrome; Leigh Syndrome (mtDNA deletion); Subacute necrotizing encephalopathy; Necrotizing encephalopathy infantile subacute of Leigh. Identifiers: Orphanet 506, MedGen C2931891, MONDO:0009723, OMIM 256000.

Allele frequency attached by ClinVar (database versions not stated): gnomAD exomes below 0.00001.
gnomAD v4.1: 1 of 1,613,936 alleles (0.000062%); highest among the groups gnomAD compares: South Asian, 0.0011%; no homozygotes.

Submissions (5):

Labcorp Genetics (formerly Invitae), Labcorp
Classification: Uncertain significance for Pheochromocytoma/paraganglioma syndrome 5; Mitochondrial complex II deficiency, nuclear type 1. Last evaluated: 2025-05-11. Review status: criteria provided, single submitter. Criteria: Invitae Variant Classification Sherloc (09022015). Collection method: clinical testing. Allele origin: germline.
Comment: This sequence change replaces aspartic acid, which is acidic and polar, with asparagine, which is neutral and polar, at codon 135 of the SDHA protein (p.Asp135Asn). This variant is not present in population databases (gnomAD no frequency). This variant has not been reported in the literature in individuals affected with SDHA-related conditions. ClinVar contains an entry for this variant (Variation ID: 904234). Invitae Evidence Modeling of protein sequence and biophysical properties (such as structural, functional, and spatial information, amino acid conservation, physicochemical variation, residue mobility, and thermodynamic stability) has been performed for this missense variant. However, the output from this modeling did not meet the statistical confidence thresholds required to predict the impact of this variant on SDHA protein function. In summary, the available evidence is currently insufficient to determine the role of this variant in disease. Therefore, it has been classified as a Variant of Uncertain Significance.

Ambry Genetics
Classification: Uncertain significance for Hereditary cancer-predisposing syndrome. Last evaluated: 2024-05-18. Review status: criteria provided, single submitter. Criteria: Ambry Variant Classification Scheme 2023. Collection method: clinical testing. Allele origin: germline.
Comment: The p.D135N variant (also known as c.403G>A), located in coding exon 4 of the SDHA gene, results from a G to A substitution at nucleotide position 403. The aspartic acid at codon 135 is replaced by asparagine, an amino acid with highly similar properties. This amino acid position is conserved. In addition, the in silico prediction for this alteration is inconclusive. Since supporting evidence is limited at this time, the clinical significance of this alteration remains unclear.

Illumina Laboratory Services, Illumina
Classification: Uncertain significance for Hereditary Paraganglioma-Pheochromocytoma Syndromes. Last evaluated: 2018-01-12. Review status: criteria provided, single submitter. Criteria: ICSL Variant Classification Criteria 13 December 2019. Collection method: clinical testing. Allele origin: germline.

Illumina Laboratory Services, Illumina
Classification: Uncertain significance for Mitochondrial complex II deficiency, nuclear type 1. Last evaluated: 2018-01-12. Review status: criteria provided, single submitter. Criteria: ICSL Variant Classification Criteria 13 December 2019. Collection method: clinical testing. Allele origin: germline.

Illumina Laboratory Services, Illumina
Classification: Uncertain significance for Leigh syndrome. Last evaluated: 2018-01-12. Review status: criteria provided, single submitter. Criteria: ICSL Variant Classification Criteria 13 December 2019. Collection method: clinical testing. Allele origin: germline.

NM_004168.4(SDHA):c.403G>A (p.Asp135Asn)

Gene: SDHA (succinate dehydrogenase complex flavoprotein subunit A; plus strand). Cytogenetic location: 5p15.33.
Variant type: single nucleotide variant.
Coding change: c.403G>A on transcript NM_004168.4 (MANE Select); coding-DNA position 403, G replaced by A.
Protein change: p.Asp135Asn; replaces aspartic acid 135 with asparagine.
Molecular consequence: missense variant. On other transcripts: intron variant (1).
Genome position (GRCh38, 1-based): chr5:225,509, G>A. VCF-style: chr5-225509-G-A. GRCh37 (hg19) VCF-style: chr5-225624-G-A.
Other names: c.403G>A, p.Asp135Asn (NM_001330758.2); c.313-374G>A (NM_001294332.2); short protein forms D135N.
Identifiers: ClinVar variation 904234 (VCV000904234.14), dbSNP rs1734960553, ClinGen allele CA359009502.